The following is an entry in ClinVar:

ClinVar aggregate classification (germline): Uncertain significance. Review status: criteria provided, multiple submitters, no conflicts (2 of 4 stars). 2 submissions from 2 submitters: Uncertain significance (2). Last evaluated 2026-01-19.

Conditions:
Long QT syndrome (LQTS). Identifiers: MedGen C0023976, MeSH D008133, MONDO:0002442. Disease mechanism: loss of function. Inheritance: Various modes of inheritance.

Submissions (2):

Labcorp Genetics (formerly Invitae), Labcorp
Classification: Uncertain significance for Long QT syndrome. Last evaluated: 2026-01-19. Review status: criteria provided, single submitter. Criteria: Invitae Variant Classification Sherloc (09022015). Collection method: clinical testing. Allele origin: germline.
Comment: This sequence change replaces arginine, which is basic and polar, with glycine, which is neutral and non-polar, at codon 1032 of the KCNH2 protein (p.Arg1032Gly). This variant is not present in population databases (gnomAD no frequency). This variant has not been reported in the literature in individuals affected with KCNH2-related conditions. ClinVar contains an entry for this variant (Variation ID: 1481723). An algorithm developed to predict the effect of missense changes on protein structure and function (PolyPhen-2) suggests that this variant is likely to be disruptive. In summary, the available evidence is currently insufficient to determine the role of this variant in disease. Therefore, it has been classified as a Variant of Uncertain Significance.

All of Us Research Program, National Institutes of Health
Classification: Uncertain significance for Long QT syndrome. Last evaluated: 2023-02-24. Review status: criteria provided, single submitter. Criteria: ACMG Guidelines, 2015. Collection method: clinical testing. Allele origin: germline. Inheritance: Autosomal dominant inheritance. Observed: 1 variant allele, 1 heterozygote.
Comment: This missense variant replaces arginine with glycine at codon 1032 of the KCNH2 protein. Computational prediction is inconclusive regarding the impact of this variant on protein structure and function (internally defined REVEL score threshold 0.5 < inconclusive < 0.7, PMID: 27666373). To our knowledge, functional studies have not been reported for this variant. This variant has not been reported in individuals affected with KCNH2-related disorders in the literature. This variant has not been identified in the general population by the Genome Aggregation Database (gnomAD). The available evidence is insufficient to determine the role of this variant in disease conclusively. Therefore, this variant is classified as a Variant of Uncertain Significance.

This study involves interpretation of variants in research participants for the purpose of population health screening. Participant phenotype was not available at the time of variant classification. Additional details can be found in publication PMID: 35346344, PMCID: PMC8962531

NM_000238.4(KCNH2):c.3094C>G (p.Arg1032Gly)

Gene: KCNH2 (potassium voltage-gated channel subfamily H member 2; minus strand). Cytogenetic location: 7q36.1.
Variant type: single nucleotide variant.
Coding change: c.3094C>G on transcript NM_000238.4 (MANE Select); coding-DNA position 3094, C replaced by G.
Protein change: p.Arg1032Gly; replaces arginine 1032 with glycine.
Molecular consequence: missense variant.
Genome position (GRCh38, 1-based): chr7:150,947,386, G>C on the plus strand (C>G on the coding strand, the complement: KCNH2 is on the minus strand). VCF-style: chr7-150947386-G-C. GRCh37 (hg19) VCF-style: chr7-150644474-G-C.
Other names: c.2074C>G, p.Arg692Gly (NM_172057.3); short protein forms R1032G, R692G.
Identifiers: ClinVar variation 1481723 (VCV001481723.8), dbSNP rs373394254, ClinGen allele CA369852668.